The following is an entry in ClinVar:

NM_007194.4(CHEK2):c.295del (p.Leu99fs)

Gene: CHEK2 (checkpoint kinase 2; minus strand). Cytogenetic location: 22q12.1.
Variant type: Deletion.
Coding change: c.295del on transcript NM_007194.4 (MANE Select); coding-DNA position 295, one base deleted (C; older notation c.295delC).
Protein change: p.Leu99fs; shifts the reading frame from leucine 99.
Molecular consequence: frameshift variant.
Genome position (GRCh38, 1-based): chr22:28,734,427, G deleted on the plus strand (C on the coding strand, the reverse complement: CHEK2 is on the minus strand); the first of 3 consecutive G bases (chr22:28,734,427-28,734,429); deleting any one gives the same sequence. VCF-style (leftmost placement, unchanged base first): chr22-28734426-AG-A. GRCh37 (hg19) VCF-style: chr22-29130414-AG-A.
Other names: c.293delC, p.Leu99Phefs (NM_001005735.3, NM_001349956.3, NM_145862.3); c.-485delC (NM_001257387.3); short protein forms L99fs.
Identifiers: ClinVar variation 822367 (VCV000822367.7), dbSNP rs1601851248, ClinGen allele CA915952746.

ClinVar aggregate classification (germline): Pathogenic. Review status: criteria provided, multiple submitters, no conflicts (2 of 4 stars). 2 submissions from 2 submitters: Pathogenic (2). Last evaluated 2023-12-25.

Conditions:
Hereditary cancer-predisposing syndrome. Also called: Tumor predisposition; Hereditary Cancer Syndrome; Neoplastic Syndromes, Hereditary; Hereditary neoplastic syndrome. Identifiers: Orphanet 140162, MedGen C0027672, MeSH D009386, MONDO:0015356.
Familial cancer of breast. Also called: BREAST CANCER, FAMILIAL; Hereditary breast cancer; hereditary breast carcinoma. Identifiers: Orphanet 227535, MedGen C0346153, MONDO:0016419, OMIM 114480. Disease mechanism: loss of function.

Submissions (2):

Labcorp Genetics (formerly Invitae), Labcorp
Classification: Pathogenic for Familial cancer of breast. Last evaluated: 2023-12-25. Review status: criteria provided, single submitter. Criteria: Invitae Variant Classification Sherloc (09022015). Collection method: clinical testing. Allele origin: germline.
Comment: This sequence change creates a premature translational stop signal (p.Leu99Phefs*11) in the CHEK2 gene. It is expected to result in an absent or disrupted protein product. Loss-of-function variants in CHEK2 are known to be pathogenic (PMID: 21876083, 24713400). This variant is not present in population databases (gnomAD no frequency). This variant has not been reported in the literature in individuals affected with CHEK2-related conditions. ClinVar contains an entry for this variant (Variation ID: 822367). For these reasons, this variant has been classified as Pathogenic.

Ambry Genetics
Classification: Pathogenic for Hereditary cancer-predisposing syndrome. Last evaluated: 2018-11-06. Review status: criteria provided, single submitter. Criteria: Ambry Variant Classification Scheme 2023. Collection method: clinical testing. Allele origin: germline.
Comment: The c.295delC pathogenic mutation, located in coding exon 1 of the CHEK2 gene, results from a deletion of one nucleotide at nucleotide position 295, causing a translational frameshift with a predicted alternate stop codon (p.L99Ffs*11). This alteration is expected to result in loss of function by premature protein truncation or nonsense-mediated mRNA decay. As such, this alteration is interpreted as a disease-causing mutation.

Literature cited by the submitters: PubMed 21876083 (cited by Labcorp Genetics (formerly Invitae), Labcorp); PubMed 24713400 (cited by Labcorp Genetics (formerly Invitae), Labcorp).